The following is an entry in ClinVar:

NM_007294.4(BRCA1):c.5153-26A>C

Gene: BRCA1 (BRCA1 DNA repair associated; minus strand). Cytogenetic location: 17q21.31.
Variant type: single nucleotide variant.
Coding change: c.5153-26A>C on transcript NM_007294.4 (MANE Select); 26 bases into the intron before coding-DNA position 5153, A replaced by C.
Molecular consequence: intron variant.
Genome position (GRCh38, 1-based): chr17:43,063,399, T>G on the plus strand (A>C on the coding strand, the complement: BRCA1 is on the minus strand). VCF-style: chr17-43063399-T-G. GRCh37 (hg19) VCF-style: chr17-41215416-T-G.
Other names: c.1700-26A>C (NM_001408458.1, NM_001408461.1, NM_001408464.1 and 7 more transcripts); c.4262-26A>C (NM_001407967.1); c.4772-26A>C (NM_001407959.1); c.4886-26A>C (NM_001407931.1, NM_001407932.1, NM_001407928.1 and 4 more transcripts); c.5009-26A>C (NM_001407747.1, NM_001407745.1, NM_001407737.1 and 21 more transcripts); c.4769-26A>C (NM_001407962.1, NM_001407960.1); c.1340-26A>C (NM_001408512.1); c.1463-26A>C (NM_001408510.1); and 72 more.
Identifiers: ClinVar variation 867719 (VCV000867719.3), dbSNP rs80358109, ClinGen allele CA916080102.

Conditions:
Breast-ovarian cancer, familial, susceptibility to, 1 (BROVCA1). Also called: BRCA1 Hereditary Breast and Ovarian Cancer; OVARIAN CANCER, SUSCEPTIBILITY TO. Identifiers: Orphanet 145, MedGen C2676676, MONDO:0011450, OMIM 604370. Disease mechanism: loss of function.

Submission:

Brotman Baty Institute, University of Washington
No classification provided (evidence only). Condition: Breast-ovarian cancer, familial 1. Review status: no classification provided. Collection method: in vitro. Allele origin: not applicable. Functional consequence: functionally_normal.
ClinVar note: "not provided" was previously submitted as the classification for the variant. However, the classification appeared to be based only on an observation of functional data so it was converted to no classification on 2025-07-30.